The following is an entry in ClinVar:

ClinVar aggregate classification (germline): Uncertain significance (1 of 4 stars; one submission).

Submission:

Labcorp Genetics (formerly Invitae), Labcorp
Classification: Uncertain significance. Last evaluated: 2022-09-27. Review status: criteria provided, single submitter. Criteria: Invitae Variant Classification Sherloc (09022015). Collection method: clinical testing. Allele origin: germline.
Comment: This variant has not been reported in the literature in individuals affected with AP3D1-related conditions. In summary, the available evidence is currently insufficient to determine the role of this variant in disease. Therefore, it has been classified as a Variant of Uncertain Significance. Algorithms developed to predict the effect of missense changes on protein structure and function are either unavailable or do not agree on the potential impact of this missense change (SIFT: "Tolerated"; PolyPhen-2: "Probably Damaging"; Align-GVGD: "Class C0"). ClinVar contains an entry for this variant (Variation ID: 1523603). This variant is not present in population databases (gnomAD no frequency). This sequence change replaces valine, which is neutral and non-polar, with alanine, which is neutral and non-polar, at codon 54 of the AP3D1 protein (p.Val54Ala).

NM_001261826.3(AP3D1):c.161T>C (p.Val54Ala)

Gene: AP3D1 (adaptor related protein complex 3 subunit delta 1; minus strand). Cytogenetic location: 19p13.3.
Variant type: single nucleotide variant.
Coding change: c.161T>C on transcript NM_001261826.3 (MANE Select); coding-DNA position 161, T replaced by C.
Protein change: p.Val54Ala; replaces valine 54 with alanine.
Molecular consequence: missense variant.
Genome position (GRCh38, 1-based): chr19:2,138,650, A>G on the plus strand (T>C on the coding strand, the complement: AP3D1 is on the minus strand). VCF-style: chr19-2138650-A-G. GRCh37 (hg19) VCF-style: chr19-2138649-A-G.
Other names: c.161T>C, p.Val54Ala (NM_001374799.1, NM_003938.8); short protein forms V54A.
Identifiers: ClinVar variation 1523603 (VCV001523603.6), dbSNP rs2144516303, ClinGen allele CA403232992.